The following is an entry in ClinVar:

NM_004304.5(ALK):c.1307C>G (p.Ala436Gly)

Gene: ALK (ALK receptor tyrosine kinase; minus strand). Cytogenetic location: 2p23.2.
Variant type: single nucleotide variant.
Coding change: c.1307C>G on transcript NM_004304.5 (MANE Select); coding-DNA position 1307, C replaced by G.
Protein change: p.Ala436Gly; replaces alanine 436 with glycine.
Molecular consequence: missense variant.
Genome position (GRCh38, 1-based): chr2:29,328,457, G>C on the plus strand (C>G on the coding strand, the complement: ALK is on the minus strand). VCF-style: chr2-29328457-G-C. GRCh37 (hg19) VCF-style: chr2-29551323-G-C.
Other names: short protein forms A436G.
Identifiers: ClinVar variation 2822731 (VCV002822731.3), dbSNP rs1430324218, ClinGen allele CA346474502.

ClinVar aggregate classification (germline): Uncertain significance (1 of 4 stars; one submission).

Conditions:
Neuroblastoma, susceptibility to, 3. Also called: ALK-Related Neuroblastic Tumor Susceptibility. Identifiers: Orphanet 635, MedGen C2751681, MONDO:0013083, OMIM 613014.

Submission:

Labcorp Genetics (formerly Invitae), Labcorp
Classification: Uncertain significance for Neuroblastoma, susceptibility to, 3. Last evaluated: 2022-12-20. Review status: criteria provided, single submitter. Criteria: Invitae Variant Classification Sherloc (09022015). Collection method: clinical testing. Allele origin: germline.
Comment: This sequence change replaces alanine, which is neutral and non-polar, with glycine, which is neutral and non-polar, at codon 436 of the ALK protein (p.Ala436Gly). This variant is not present in population databases (gnomAD no frequency). This variant has not been reported in the literature in individuals affected with ALK-related conditions. Algorithms developed to predict the effect of missense changes on protein structure and function are either unavailable or do not agree on the potential impact of this missense change (SIFT: "Deleterious"; PolyPhen-2: "Probably Damaging"; Align-GVGD: "Class C0"). In summary, the available evidence is currently insufficient to determine the role of this variant in disease. Therefore, it has been classified as a Variant of Uncertain Significance.